The following is an entry in ClinVar:

NM_001282857.2(XRN1):c.1823A>G (p.Glu608Gly)

Gene: XRN1 (5'-3' exoribonuclease 1; minus strand). Cytogenetic location: 3q23.
Variant type: single nucleotide variant.
Coding change: c.1823A>G on transcript NM_001282857.2 (MANE Select); coding-DNA position 1823, A replaced by G.
Protein change: p.Glu608Gly; replaces glutamic acid 608 with glycine.
Molecular consequence: missense variant.
Genome position (GRCh38, 1-based): chr3:142,404,967, T>C on the plus strand (A>G on the coding strand, the complement: XRN1 is on the minus strand). VCF-style: chr3-142404967-T-C. GRCh37 (hg19) VCF-style: chr3-142123809-T-C.
Other names: c.1823A>G, p.Glu608Gly (NM_019001.5); short protein forms E608G.
Identifiers: ClinVar variation 4823446 (VCV004823446.4).
Genomic context (GRCh38, chr3:142,404,967, plus strand): 5'-CTTGTACAACATCGTTCTATGGCAGGGAACTTTTCTGGCCATGGAGAAGGATAGATAAAC[T>C]CTGTGTCTCTATCATACCAGCACATTAGGCACTCACTATGTTGGTTTCTTTTCCTCTCTT-3'
Protein context (NP_001269786.1, residues 598-618): CLMCWYDRDT[Glu608Gly]FIYPSPWPEK

ClinVar aggregate classification (germline): Uncertain significance (1 of 4 stars; one submission).

Submission:

CeGaT Center for Human Genetics Tuebingen
Classification: Uncertain significance. Last evaluated: 2026-02-01. Review status: criteria provided, single submitter. Criteria: CeGaT Center For Human Genetics Tuebingen Variant Classification Criteria Version 2. Collection method: clinical testing. Allele origin: germline. Affected: yes. Observed: 1 variant allele.
Comment: XRN1: PM2, BP4